The following is an entry in ClinVar:

NM_005518.4(HMGCS2):c.1514G>A (p.Arg505Gln)

Gene: HMGCS2 (3-hydroxy-3-methylglutaryl-CoA synthase 2; minus strand). Cytogenetic location: 1p12.
Variant type: single nucleotide variant.
Coding change: c.1514G>A on transcript NM_005518.4 (MANE Select); coding-DNA position 1514, G replaced by A.
Protein change: p.Arg505Gln; replaces arginine 505 with glutamine.
Molecular consequence: missense variant.
Genome position (GRCh38, 1-based): chr1:119,750,815, C>T on the plus strand (G>A on the coding strand, the complement: HMGCS2 is on the minus strand). VCF-style: chr1-119750815-C-T. GRCh37 (hg19) VCF-style: chr1-120293438-C-T.
Other names: c.1388G>A, p.Arg463Gln (NM_001166107.1); short protein forms R463Q, R505Q.
Identifiers: ClinVar variation 2186499 (VCV002186499.2), dbSNP rs758519315, ClinGen allele CA1037517.

ClinVar aggregate classification (germline): Uncertain significance. Review status: criteria provided, multiple submitters, no conflicts (2 of 4 stars). 2 submissions from 2 submitters: Uncertain significance (2). Last evaluated 2024-07-16.

Conditions:
3-hydroxy-3-methylglutaryl-CoA synthase deficiency (HMGCS2D). Also called: HMG-CoA synthase-2 deficiency; HMGCS2 DEFICIENCY; MITOCHONDRIAL HMG-CoA SYNTHASE DEFICIENCY. Identifiers: Orphanet 35701, MedGen C2751532, MONDO:0011614, OMIM 605911.

Allele frequency attached by ClinVar (database versions not stated): ExAC 0.00001; TOPMed 0.00001; gnomAD 0.00002.
gnomAD v4.1: 24 of 1,612,952 alleles (0.0015%); highest among the groups gnomAD compares: African/African-American, 0.008%; no homozygotes.

Submissions (2):

Women's Health and Genetics/Laboratory Corporation of America, LabCorp
Classification: Uncertain significance. Last evaluated: 2024-07-16. Review status: criteria provided, single submitter. Criteria: LabCorp Variant Classification Summary - May 2015. Collection method: clinical testing. Allele origin: germline.
Comment: Variant summary: HMGCS2 c.1514G>A (p.Arg505Gln) results in a conservative amino acid change located in the Hydroxymethylglutaryl-coenzyme A synthase, C-terminal domain (IPR013746) of the encoded protein sequence. Three of five in-silico tools predict a benign effect of the variant on protein function. The variant allele was found at a frequency of 1.6e-05 in 251292 control chromosomes. c.1514G>A has been reported in the literature in homozygous or compound heterozygous individuals affected with 3-hydroxy-3-methylglutaryl-CoA synthase deficiency (Puisac_2018, Pitt_2015). These data indicate that the variant may be associated with disease. At least one publication reports experimental evidence evaluating an impact on protein function. The most pronounced variant effect results in approximately 70% of normal HMG-CoA synthase activity when expressed in E. coli (Puisac_2018). The following publications have been ascertained in the context of this evaluation (PMID: 29597274, 25511235). ClinVar contains an entry for this variant (Variation ID: 2186499). Based on the evidence outlined above, the variant was classified as VUS-possibly pathogenic.

Labcorp Genetics (formerly Invitae), Labcorp
Classification: Uncertain significance for 3-hydroxy-3-methylglutaryl-CoA synthase deficiency. Last evaluated: 2022-05-17. Review status: criteria provided, single submitter. Criteria: Invitae Variant Classification Sherloc (09022015). Collection method: clinical testing. Allele origin: germline.
Comment: This sequence change replaces arginine, which is basic and polar, with glutamine, which is neutral and polar, at codon 505 of the HMGCS2 protein (p.Arg505Gln). This variant is present in population databases (rs758519315, gnomAD 0.006%). This missense change has been observed in individuals with HMG-CoA synthase-2 deficiency (PMID: 25511235, 29597274). Algorithms developed to predict the effect of missense changes on protein structure and function are either unavailable or do not agree on the potential impact of this missense change (SIFT: "Tolerated"; PolyPhen-2: "Probably Damaging"; Align-GVGD: "Class C0"). Experimental studies have shown that this missense change affects HMGCS2 function (PMID: 29597274). In summary, the available evidence is currently insufficient to determine the role of this variant in disease. Therefore, it has been classified as a Variant of Uncertain Significance.

Literature cited by the submitters: PubMed 25511235 (cited by Women's Health and Genetics/Laboratory Corporation of America, LabCorp and Labcorp Genetics (formerly Invitae), Labcorp); PubMed 29597274 (cited by Women's Health and Genetics/Laboratory Corporation of America, LabCorp and Labcorp Genetics (formerly Invitae), Labcorp).